The following is an entry in ClinVar:

ClinVar aggregate classification (germline): Conflicting classifications of pathogenicity. Review status: criteria provided, conflicting classifications (1 of 4 stars). 6 submissions from 5 submitters: Uncertain significance (2); Likely benign (3). 1 of the submissions does not count toward it. Last evaluated 2026-01-19.

Conditions:
Adult-onset proximal spinal muscular atrophy, autosomal dominant. Also called: FINKEL LATE-ADULT TYPE SMA; Spinal muscular atrophy, late-onset, finkel type. Identifiers: Orphanet 209335, MedGen C1854058, MONDO:0008453, OMIM 182980.
VAPB-related disorder. Also called: VAPB-related condition.
Inborn genetic diseases. Identifiers: MedGen C0950123, MeSH D030342.
Amyotrophic lateral sclerosis type 8 (ALS8). Identifiers: Orphanet 803, MedGen C1837728, MONDO:0012077, OMIM 608627.

Allele frequency attached by ClinVar (database versions not stated): 1000 Genomes Project 30x 0.00016; gnomAD 0.00016; 1000 Genomes Project 0.00020; ExAC 0.00026; TOPMed 0.00026; gnomAD exomes 0.00027 and 0.00047; ESP Exome Variant Server 0.00038.
gnomAD v4.1: 716 of 1,614,150 alleles (0.044%); highest among the groups gnomAD compares: Non-Finnish European, 0.056%; no homozygotes.

Submissions (6):

Labcorp Genetics (formerly Invitae), Labcorp
Classification: Likely benign for Adult-onset proximal spinal muscular atrophy, autosomal dominant; Amyotrophic lateral sclerosis type 8. Last evaluated: 2026-01-19. Review status: criteria provided, single submitter. Criteria: Invitae Variant Classification Sherloc (09022015). Collection method: clinical testing. Allele origin: germline.

GeneDx
Classification: Likely benign. Last evaluated: 2020-09-21. Review status: criteria provided, single submitter. Criteria: GeneDx Variant Classification Process June 2021. Collection method: clinical testing. Allele origin: germline. Affected: yes.

Ambry Genetics
Classification: Likely benign for Inborn genetic diseases. Last evaluated: 2019-12-11. Review status: criteria provided, single submitter. Criteria: Ambry Variant Classification Scheme 2023. Collection method: clinical testing. Allele origin: germline.

Illumina Laboratory Services, Illumina
Classification: Uncertain significance for Amyotrophic lateral sclerosis type 8. Last evaluated: 2018-01-12. Review status: criteria provided, single submitter. Criteria: ICSL Variant Classification Criteria 13 December 2019. Collection method: clinical testing. Allele origin: germline.

Illumina Laboratory Services, Illumina
Classification: Uncertain significance for Adult-onset proximal spinal muscular atrophy, autosomal dominant. Last evaluated: 2018-01-12. Review status: criteria provided, single submitter. Criteria: ICSL Variant Classification Criteria 13 December 2019. Collection method: clinical testing. Allele origin: germline.

PreventionGenetics, part of Exact Sciences
Classification: Likely benign for VAPB-related condition. Last evaluated: 2019-07-10. Review status: no assertion criteria provided. Collection method: clinical testing. Allele origin: germline. Not counted in ClinVar's aggregate classification.
Comment: This variant is classified as likely benign based on ACMG/AMP sequence variant interpretation guidelines (Richards et al. 2015 PMID: 25741868, with internal and published modifications).

NM_004738.5(VAPB):c.574-4G>A

Gene: VAPB (VAMP associated protein B and C; plus strand). Cytogenetic location: 20q13.32.
Variant type: single nucleotide variant.
Coding change: c.574-4G>A on transcript NM_004738.5 (MANE Select); 4 bases into the intron before coding-DNA position 574, G replaced by A.
Molecular consequence: intron variant.
Genome position (GRCh38, 1-based): chr20:58,444,073, G>A. VCF-style: chr20-58444073-G-A. GRCh37 (hg19) VCF-style: chr20-57019129-G-A.
Other names: c.212-4G>A (NM_001195677.2).
Identifiers: ClinVar variation 338932 (VCV000338932.25), dbSNP rs201798741, ClinGen allele CA9924308.